The following is an entry in ClinVar:

ClinVar aggregate classification (germline): Pathogenic/Likely pathogenic. Review status: criteria provided, multiple submitters, no conflicts (2 of 4 stars). 2 submissions from 2 submitters: Pathogenic (1); Likely pathogenic (1). Last evaluated 2023-06-15.

Conditions:
Hereditary cancer-predisposing syndrome. Also called: Tumor predisposition; Hereditary Cancer Syndrome; Hereditary neoplastic syndrome; Neoplastic Syndromes, Hereditary. Identifiers: Orphanet 140162, MedGen C0027672, MeSH D009386, MONDO:0015356.
Endometrial carcinoma. Also called: Endometrial carcinoma, somatic. Identifiers: MedGen C0476089, MONDO:0002447, OMIM 608089, HP:0012114.

Submissions (2):

Ambry Genetics
Classification: Pathogenic for Hereditary cancer-predisposing syndrome. Last evaluated: 2023-06-15. Review status: criteria provided, single submitter. Criteria: Ambry Variant Classification Scheme 2023. Collection method: clinical testing. Allele origin: germline.
Comment: The c.336_337dupCC pathogenic mutation, located in coding exon 2 of the MSH6 gene, results from a duplication of CC at nucleotide position 336, causing a translational frameshift with a predicted alternate stop codon (p.H113Pfs*37). This variant is considered to be rare based on population cohorts in the Genome Aggregation Database (gnomAD). This alteration is expected to result in loss of function by premature protein truncation or nonsense-mediated mRNA decay. As such, this alteration is interpreted as a disease-causing mutation.

Baylor Genetics
Classification: Likely pathogenic for Endometrial carcinoma. Last evaluated: 2022-05-11. Review status: criteria provided, single submitter. Criteria: ACMG Guidelines, 2015. Collection method: clinical testing. Allele origin: unknown.

NM_000179.3(MSH6):c.336_337dup (p.His113fs)

Gene: MSH6 (mutS homolog 6; plus strand). Cytogenetic location: 2p16.3.
Variant type: Duplication.
Coding change: c.336_337dup on transcript NM_000179.3 (MANE Select); coding-DNA positions 336 to 337, 2 bases duplicated (CC; older notation c.336_337dupCC).
Protein change: p.His113fs; shifts the reading frame from histidine 113.
Molecular consequence: frameshift variant. On other transcripts: 5 prime UTR variant (7), non-coding transcript variant (5), intron variant (6).
Genome position (GRCh38, 1-based): chr2:47,791,002-47,791,003, CC duplicated. VCF-style (leftmost placement, unchanged base first): chr2-47791001-A-ACC. GRCh37 (hg19) VCF-style: chr2-48018140-A-ACC.
Other names: c.-401_-400dup (NM_001281493.2, NM_001406811.1, NM_001406823.1 and 1 more transcripts); c.-567_-566dup (NM_001281494.2); c.432_433dup, p.His145fs (NM_001406795.1, NM_001406802.1); c.336_337dup, p.His113fs (NM_001406796.1, NM_001406798.1, NM_001406800.1 and 6 more transcripts); c.39_40dup, p.His14fs (NM_001406797.1, NM_001406801.1, NM_001406805.1 and 10 more transcripts); c.258_259dup, p.His87fs (NM_001406804.1); c.-593_-592dup (NM_001406807.1); c.-659_-658dup (NM_001406814.1); and 7 more; short protein forms H14fs, H87fs, H57fs, H113fs, H145fs.
Identifiers: ClinVar variation 2587317 (VCV002587317.3), dbSNP rs2530434648, ClinGen allele CA2582342396.
Genomic context (GRCh38, chr2:47,791,001, plus strand): 5'-CAGGAGATTTGGTTTGGGCCAAGATGGAGGGTTACCCCTGGTGGCCTTGTCTGGTTTACA[A>ACC]CCACCCCTTTGATGGAACATTCATCCGCGAGAAAGGGAAATCAGTCCGTGTTCATGTACA-3'